The following is an entry in ClinVar:

NM_001378414.1(HDAC4):c.1568C>T (p.Pro523Leu)

Gene: HDAC4 (histone deacetylase 4; minus strand). Cytogenetic location: 2q37.3.
Variant type: single nucleotide variant.
Coding change: c.1568C>T on transcript NM_001378414.1 (MANE Select); coding-DNA position 1568, C replaced by T.
Protein change: p.Pro523Leu; replaces proline 523 with leucine.
Molecular consequence: missense variant.
Genome position (GRCh38, 1-based): chr2:239,115,276, G>A on the plus strand (C>T on the coding strand, the complement: HDAC4 is on the minus strand). VCF-style: chr2-239115276-G-A. GRCh37 (hg19) VCF-style: chr2-240036972-G-A.
Other names: c.1568C>T, p.Pro523Leu (NM_001378415.1); c.1553C>T, p.Pro518Leu (NM_001378416.1, NM_001378417.1, NM_006037.4); short protein forms P518L, P523L.
Identifiers: ClinVar variation 2298026 (VCV002298026.17), dbSNP rs1281977096, ClinGen allele CA351269015.

ClinVar aggregate classification (germline): Conflicting classifications of pathogenicity. Review status: criteria provided, conflicting classifications (1 of 4 stars). 3 submissions from 3 submitters: Pathogenic (1); Uncertain significance (2). Last evaluated 2026-09-16.

Conditions:
Inborn genetic diseases. Identifiers: MedGen C0950123, MeSH D030342.

Submissions (3):

GeneDx
Classification: Pathogenic. Last evaluated: 2026-09-16. Review status: criteria provided, single submitter. Criteria: GeneDx Variant Classification Process June 2021. Collection method: clinical testing. Allele origin: germline.
Comment: Not observed at significant frequency in large population cohorts (gnomAD); In silico analysis supports that this missense variant has a deleterious effect on protein structure/function; Has not been previously published as pathogenic or benign to our knowledge

CeGaT Center for Human Genetics Tuebingen
Classification: Uncertain significance. Last evaluated: 2024-11-01. Review status: criteria provided, single submitter. Criteria: CeGaT Center For Human Genetics Tuebingen Variant Classification Criteria Version 2. Collection method: clinical testing. Allele origin: germline. Affected: yes. Observed: 1 variant allele.
Comment: HDAC4: PM2, PS2:Supporting, BP4

Ambry Genetics
Classification: Uncertain significance for Inborn genetic diseases. Last evaluated: 2022-07-19. Review status: criteria provided, single submitter. Criteria: Ambry Variant Classification Scheme 2023. Collection method: clinical testing. Allele origin: germline.
Comment: The c.1553C>T (p.P518L) alteration is located in exon 13 (coding exon 12) of the HDAC4 gene. This alteration results from a C to T substitution at nucleotide position 1553, causing the proline (P) at amino acid position 518 to be replaced by a leucine (L). This variant was not reported in population-based cohorts in the Genome Aggregation Database (gnomAD). This amino acid position is not well conserved in available vertebrate species. This alteration is predicted to be tolerated by in silico analysis. Based on insufficient or conflicting evidence, the clinical significance of this alteration remains unclear.